The following is an entry in ClinVar:

ClinVar aggregate classification (germline): Likely benign. Review status: criteria provided, single submitter (1 of 4 stars). 2 submissions from 2 submitters: Likely benign (1). 1 of the submissions does not count toward it. Last evaluated 2022-02-02.

Conditions:
PEX2-related disorder. Also called: PEX2-related condition.
Peroxisome biogenesis disorder 5A (Zellweger) (PBD5A). Identifiers: Orphanet 912, MedGen C3553940, MONDO:0013932, OMIM 614866.

Allele frequency attached by ClinVar (database versions not stated): gnomAD exomes below 0.00001; TOPMed below 0.00001; gnomAD 0.00001.
gnomAD v4.1: 3 of 1,613,798 alleles (0.00019%); highest among the groups gnomAD compares: African/African-American, 0.0027%; no homozygotes.

Submissions (2):

Labcorp Genetics (formerly Invitae), Labcorp
Classification: Likely benign for Peroxisome biogenesis disorder 5A (Zellweger). Last evaluated: 2022-02-02. Review status: criteria provided, single submitter. Criteria: Invitae Variant Classification Sherloc (09022015). Collection method: clinical testing. Allele origin: germline.

PreventionGenetics, part of Exact Sciences
Classification: Likely benign for PEX2-related condition. Last evaluated: 2023-02-25. Review status: no assertion criteria provided. Collection method: clinical testing. Allele origin: germline. Not counted in ClinVar's aggregate classification.
Comment: This variant is classified as likely benign based on ACMG/AMP sequence variant interpretation guidelines (Richards et al. 2015 PMID: 25741868, with internal and published modifications).

NM_000318.3(PEX2):c.882A>G (p.Lys294=)

Gene: PEX2 (peroxisomal biogenesis factor 2; minus strand). Cytogenetic location: 8q21.13.
Variant type: single nucleotide variant.
Coding change: c.882A>G on transcript NM_000318.3 (MANE Select); coding-DNA position 882, A replaced by G.
Protein change: p.Lys294=; no amino-acid change (lysine 294 retained).
Molecular consequence: synonymous variant.
Genome position (GRCh38, 1-based): chr8:76,983,297, T>C on the plus strand (A>G on the coding strand, the complement: PEX2 is on the minus strand). VCF-style: chr8-76983297-T-C. GRCh37 (hg19) VCF-style: chr8-77895533-T-C.
Other names: c.882A>G (NM_000318.2); c.882A>G, p.Lys294= (NM_001079867.2, NM_001172086.2, NM_001172087.2).
Identifiers: ClinVar variation 1114352 (VCV001114352.11), dbSNP rs1244697838, ClinGen allele CA461773109.